The following is an entry in ClinVar:

ClinVar aggregate classification (germline): not provided (0 of 4 stars; one submission).

Conditions:
Uterine leiomyoma (UL). Also called: Uterine corpus leiomyoma. Identifiers: MedGen C0042133, MONDO:0007886, OMIM 150699, HP:0000131.

Submission:

Rajkovic Lab, University of Pittsburgh
No classification provided. Condition: Leiomyoma, uterine. Review status: no classification provided. Collection method: not provided. Allele origin: somatic.
ClinVar note: Converted during submission from Associated with leiomyomas to not provided.

NM_005120.3(MED12):c.130G>T (p.Gly44Cys)

Gene: MED12 (mediator complex subunit 12; plus strand). Cytogenetic location: Xq13.1.
Variant type: single nucleotide variant.
Coding change: c.130G>T on transcript NM_005120.3 (MANE Select); coding-DNA position 130, G replaced by T.
Protein change: p.Gly44Cys; replaces glycine 44 with cysteine.
Molecular consequence: missense variant.
Genome position (GRCh38, 1-based): chrX:71,119,403, G>T. VCF-style: chrX-71119403-G-T. GRCh37 (hg19) VCF-style: chrX-70339253-G-T.
Other names: short protein forms G44C.
Identifiers: ClinVar variation 92219 (VCV000092219.2), dbSNP rs199469669, ClinGen allele CA145567.